The following is an entry in ClinVar:

ClinVar aggregate classification (germline): Benign/Likely benign. Review status: criteria provided, multiple submitters, no conflicts (2 of 4 stars). 8 submissions from 4 submitters: Benign (5); Likely benign (2). 1 of the submissions does not count toward it. Last evaluated 2026-01-17.

Conditions:
Senior-Loken syndrome 8 (SLSN8). Identifiers: Orphanet 3156, MedGen C4225376, MONDO:0014579, OMIM 616307.
WDR19-related disorder. Also called: WDR19-related condition; WDR19-related disorders. Identifiers: MedGen CN380161.
Nephronophthisis 13 (NPHP13). Identifiers: Orphanet 655, MedGen C3280612, MONDO:0013718, OMIM 614377.
Asphyxiating thoracic dystrophy 5 (SRTD5). Also called: SHORT-RIB THORACIC DYSPLASIA 5 WITH OR WITHOUT POLYDACTYLY; SHORT-RIB THORACIC DYSPLASIA 5 WITHOUT POLYDACTYLY. Identifiers: Orphanet 474, MedGen C3280598, MONDO:0013717, OMIM 614376.
Cranioectodermal dysplasia 4 (CED4). Identifiers: Orphanet 1515, MedGen C3280616, MONDO:0013719, OMIM 614378.

Allele frequency attached by ClinVar (database versions not stated): 1000 Genomes Project 30x 0.00016; gnomAD 0.00019; TOPMed 0.00045.
gnomAD v4.1: 170 of 1,568,010 alleles (0.011%); highest among the groups gnomAD compares: East Asian, 0.26%; 2 homozygotes.

Submissions (8):

Labcorp Genetics (formerly Invitae), Labcorp
Classification: Benign for Senior-Loken syndrome 8; Asphyxiating thoracic dystrophy 5. Last evaluated: 2026-01-17. Review status: criteria provided, single submitter. Criteria: Invitae Variant Classification Sherloc (09022015). Collection method: clinical testing. Allele origin: germline.

Genome-Nilou Lab
Classification: Benign for Cranioectodermal dysplasia 4. Last evaluated: 2021-12-05. Review status: criteria provided, single submitter. Criteria: ACMG Guidelines, 2015. Collection method: clinical testing. Allele origin: germline. Affected: no.

Genome-Nilou Lab
Classification: Benign for Nephronophthisis 13. Last evaluated: 2021-12-05. Review status: criteria provided, single submitter. Criteria: ACMG Guidelines, 2015. Collection method: clinical testing. Allele origin: germline. Affected: no.

Genome-Nilou Lab
Classification: Benign for Senior-Loken syndrome 8. Last evaluated: 2021-12-05. Review status: criteria provided, single submitter. Criteria: ACMG Guidelines, 2015. Collection method: clinical testing. Allele origin: germline. Affected: no.

Genome-Nilou Lab
Classification: Benign for Asphyxiating thoracic dystrophy 5. Last evaluated: 2021-12-05. Review status: criteria provided, single submitter. Criteria: ACMG Guidelines, 2015. Collection method: clinical testing. Allele origin: germline. Affected: no.

Illumina Laboratory Services, Illumina
Classification: Likely benign for Cranioectodermal dysplasia 4. Last evaluated: 2018-01-13. Review status: criteria provided, single submitter. Criteria: ICSL Variant Classification Criteria 13 December 2019. Collection method: clinical testing. Allele origin: germline.
Comment: This variant was observed in the ICSL laboratory as part of a predisposition screen in an ostensibly healthy population. It had not been previously curated by ICSL or reported in the Human Gene Mutation Database (HGMD: prior to June 1st, 2018), and was therefore a candidate for classification through an automated scoring system. Utilizing variant allele frequency, disease prevalence and penetrance estimates, and inheritance mode, an automated score was calculated to assess if this variant is too frequent to cause the disease. Based on the score and internal cut-off values, a variant classified as likely benign is not then subjected to further curation. The score for this variant resulted in a classification of likely benign for this disease.

Illumina Laboratory Services, Illumina
Classification: Likely benign for Asphyxiating thoracic dystrophy 5. Last evaluated: 2018-01-13. Review status: criteria provided, single submitter. Criteria: ICSL Variant Classification Criteria 13 December 2019. Collection method: clinical testing. Allele origin: germline.
Comment: the same text as in the submission from Illumina Laboratory Services, Illumina above.

PreventionGenetics, part of Exact Sciences
Classification: Likely benign for WDR19-related condition. Last evaluated: 2022-10-11. Review status: no assertion criteria provided. Collection method: clinical testing. Allele origin: germline. Not counted in ClinVar's aggregate classification.
Comment: This variant is classified as likely benign based on ACMG/AMP sequence variant interpretation guidelines (Richards et al. 2015 PMID: 25741868, with internal and published modifications).

NM_025132.4(WDR19):c.1595T>C (p.Ile532Thr)

Gene: WDR19 (WD repeat domain 19; plus strand). Cytogenetic location: 4p14.
Variant type: single nucleotide variant.
Coding change: c.1595T>C on transcript NM_025132.4 (MANE Select); coding-DNA position 1595, T replaced by C.
Protein change: p.Ile532Thr; replaces isoleucine 532 with threonine.
Molecular consequence: missense variant.
Genome position (GRCh38, 1-based): chr4:39,224,999, T>C. VCF-style: chr4-39224999-T-C. GRCh37 (hg19) VCF-style: chr4-39226619-T-C.
Other names: c.1115T>C, p.Ile372Thr (NM_001317924.2); short protein forms I532T, I372T.
Identifiers: ClinVar variation 348737 (VCV000348737.18), dbSNP rs749672769, ClinGen allele CA2891887.